The following is an entry in ClinVar:

ClinVar aggregate classification (germline): Uncertain significance. Review status: criteria provided, multiple submitters, no conflicts (2 of 4 stars). 2 submissions from 2 submitters: Uncertain significance (2). Last evaluated 2025-02-15.

Conditions:
MYO3A-related disorder. Also called: MYO3A-related condition.

Allele frequency attached by ClinVar (database versions not stated): TOPMed below 0.00001.
gnomAD v4.1: 1 of 1,613,054 alleles (0.000062%); highest among the groups gnomAD compares: South Asian, 0.0011%; no homozygotes.

Submissions (2):

PreventionGenetics, part of Exact Sciences
Classification: Uncertain significance for MYO3A-related condition. Last evaluated: 2025-02-15. Review status: criteria provided, single submitter. Criteria: ACMG Guidelines, 2015. Collection method: clinical testing. Allele origin: germline.
Comment: The MYO3A c.2149G>A variant is predicted to result in the amino acid substitution p.Asp717Asn. To our knowledge, this variant has not been reported in the literature or in a large population database (gnomAD), indicating this variant is rare. At this time, the clinical significance of this variant is uncertain due to the absence of conclusive functional and genetic evidence.

GeneDx
Classification: Uncertain significance. Last evaluated: 2022-05-19. Review status: criteria provided, single submitter. Criteria: GeneDx Variant Classification Process June 2021. Collection method: clinical testing. Allele origin: germline. Affected: yes.
Comment: Not observed at significant frequency in large population cohorts (gnomAD); In silico analysis supports that this missense variant has a deleterious effect on protein structure/function; Has not been previously published as pathogenic or benign to our knowledge

NM_017433.5(MYO3A):c.2149G>A (p.Asp717Asn)

Gene: MYO3A (myosin IIIA; plus strand). Cytogenetic location: 10p12.1.
Variant type: single nucleotide variant.
Coding change: c.2149G>A on transcript NM_017433.5 (MANE Select); coding-DNA position 2149, G replaced by A.
Protein change: p.Asp717Asn; replaces aspartic acid 717 with asparagine.
Molecular consequence: missense variant.
Genome position (GRCh38, 1-based): chr10:26,128,425, G>A. VCF-style: chr10-26128425-G-A. GRCh37 (hg19) VCF-style: chr10-26417354-G-A.
Other names: short protein forms D717N.
Identifiers: ClinVar variation 1800682 (VCV001800682.2), dbSNP rs892026957, ClinGen allele CA204386913.